The following is an entry in ClinVar:

NM_000501.4(ELN):c.1463G>A (p.Gly488Asp)

Genes: ELN (elastin; plus strand), ELN-AS1 (ELN antisense RNA 1; minus strand). Cytogenetic location: 7q11.23.
Variant type: single nucleotide variant.
Coding change: c.1463G>A on transcript NM_000501.4 (MANE Select); coding-DNA position 1463, G replaced by A.
Protein change: p.Gly488Asp; replaces glycine 488 with aspartic acid.
Molecular consequence: missense variant.
Genome position (GRCh38, 1-based): chr7:74,059,934, G>A. VCF-style: chr7-74059934-G-A. GRCh37 (hg19) VCF-style: chr7-73474264-G-A.
Other names: c.1376G>A, p.Gly459Asp (NM_001081752.3); c.1421G>A, p.Gly474Asp (NM_001081753.3); c.1478G>A, p.Gly493Asp (NM_001081754.3); c.1406G>A, p.Gly469Asp (NM_001081755.3); c.1463G>A, p.Gly488Asp (NM_001278912.2); c.1220G>A, p.Gly407Asp (NM_001278913.2); c.1391G>A, p.Gly464Asp (NM_001278914.2); c.1481G>A, p.Gly494Asp (NM_001278915.2); and 4 more; short protein forms G459D, G469D, G474D, G478D, G488D, G517D, G399D, G464D.
Identifiers: ClinVar variation 1470371 (VCV001470371.8), dbSNP rs1383828155, ClinGen allele CA367884889.
Genomic context (GRCh38, chr7:74,059,934, plus strand): 5'-TCAATCTTGCAGGGTTAGTTCCTGGTGTCGGCGTGGCTCCTGGAGTTGGCGTGGCTCCTG[G>A]TGTCGGTGTGGCTCCTGGAGTTGGCTTGGCTCCTGGAGTTGGCGTGGCTCCTGGAGTTGG-3'
Protein context (NP_000492.2, residues 478-498): GVAPGVGVAP[Gly488Asp]VGVAPGVGLA

ClinVar aggregate classification (germline): Uncertain significance (1 of 4 stars; one submission).

Conditions:
Supravalvar aortic stenosis (SVAS). Also called: Supravalvar aortic stenosis, Eisenberg type. Identifiers: Orphanet 3193, MedGen C0003499, MONDO:0008504, OMIM 185500, HP:0004381.

Allele frequency attached by ClinVar (database versions not stated): gnomAD exomes below 0.00001; TOPMed below 0.00001; gnomAD 0.00001.
gnomAD v4.1: 2 of 1,600,164 alleles (0.00012%); highest among the groups gnomAD compares: African/African-American, 0.0027%; no homozygotes.

Submission:

Labcorp Genetics (formerly Invitae), Labcorp
Classification: Uncertain significance for Supravalvar aortic stenosis. Last evaluated: 2021-01-29. Review status: criteria provided, single submitter. Criteria: Invitae Variant Classification Sherloc (09022015). Collection method: clinical testing. Allele origin: germline.
Comment: This variant is not present in population databases (ExAC no frequency). This sequence change replaces glycine with aspartic acid at codon 517 of the ELN protein (p.Gly517Asp). The glycine residue is moderately conserved and there is a moderate physicochemical difference between glycine and aspartic acid. In summary, the available evidence is currently insufficient to determine the role of this variant in disease. Therefore, it has been classified as a Variant of Uncertain Significance. Algorithms developed to predict the effect of missense changes on protein structure and function are either unavailable or do not agree on the potential impact of this missense change (SIFT: "Deleterious"; PolyPhen-2: "Not Available"; Align-GVGD: "Class C0"). This variant has not been reported in the literature in individuals with ELN-related conditions.